The following is an entry in ClinVar:

ClinVar aggregate classification (germline): Uncertain significance (1 of 4 stars; one submission).

gnomAD v4.1: 1 of 1,613,198 alleles (0.000062%); highest among the groups gnomAD compares: African/African-American, 0.0013%; no homozygotes.

Submission:

Ambry Genetics
Classification: Uncertain significance. Last evaluated: 2024-04-19. Review status: criteria provided, single submitter. Criteria: Ambry Variant Classification Scheme 2023. Collection method: clinical testing. Allele origin: germline.
Comment: The p.L279S variant (also known as c.836T>C), located in coding exon 9 of the RASA2 gene, results from a T to C substitution at nucleotide position 836. The leucine at codon 279 is replaced by serine, an amino acid with dissimilar properties. This amino acid position is conserved. In addition, this alteration is predicted to be deleterious by in silico analysis. Based on the available evidence, the clinical significance of this variant remains unclear.

NM_006506.5(RASA2):c.836T>C (p.Leu279Ser)

Gene: RASA2 (RAS p21 protein activator 2; plus strand). Cytogenetic location: 3q23.
Variant type: single nucleotide variant.
Coding change: c.836T>C on transcript NM_006506.5 (MANE Select); coding-DNA position 836, T replaced by C.
Protein change: p.Leu279Ser; replaces leucine 279 with serine.
Molecular consequence: missense variant.
Genome position (GRCh38, 1-based): chr3:141,559,968, T>C. VCF-style: chr3-141559968-T-C. GRCh37 (hg19) VCF-style: chr3-141278810-T-C.
Other names: c.836T>C, p.Leu279Ser (NM_001303245.3, NM_001303246.3); short protein forms L279S.
Identifiers: ClinVar variation 3312840 (VCV003312840.1).